The following is an entry in ClinVar:

ClinVar aggregate classification (germline): Uncertain significance (1 of 4 stars; one submission).

Conditions:
Hereditary breast ovarian cancer syndrome. Also called: Hereditary breast and ovarian cancer; Hereditary breast and ovarian cancer syndrome (HBOC); Breast and ovarian cancer; Hereditary breast and/or ovarian cancer syndrome; BRCA1- and BRCA2-Associated Hereditary Breast and Ovarian Cancer; Hereditary breast and ovarian cancer syndrome. Identifiers: Orphanet 145, MedGen C0677776, MeSH D061325, MONDO:0003582. Disease mechanism: loss of function.

Allele frequency attached by ClinVar (database versions not stated): TOPMed 0.00001.

Submissions (2):

Labcorp Genetics (formerly Invitae), Labcorp
Classification: Uncertain significance for Hereditary breast ovarian cancer syndrome. Last evaluated: 2020-10-21. Review status: criteria provided, single submitter. Criteria: Invitae Variant Classification Sherloc (09022015). Collection method: clinical testing. Allele origin: germline.
Comment: This variant has been reported not to substantially affect BRCA1 protein function (PMID: 30209399). In summary, the available evidence is currently insufficient to determine the role of this variant in disease. Therefore, it has been classified as a Variant of Uncertain Significance. Advanced modeling of protein sequence and biophysical properties (such as structural, functional, and spatial information, amino acid conservation, physicochemical variation, residue mobility, and thermodynamic stability) performed at Invitae indicates that this missense variant is not expected to disrupt BRCA1 protein function. This variant has not been reported in the literature in individuals with BRCA1-related conditions. ClinVar contains an entry for this variant (Variation ID: 868952). This variant is not present in population databases (ExAC no frequency). This sequence change replaces isoleucine with serine at codon 1680 of the BRCA1 protein (p.Ile1680Ser). The isoleucine residue is highly conserved and there is a large physicochemical difference between isoleucine and serine.

Brotman Baty Institute, University of Washington
No classification provided (evidence only). Condition: Breast-ovarian cancer, familial 1. Review status: no classification provided. Collection method: in vitro. Allele origin: not applicable. Functional consequence: functionally_normal. Not counted in ClinVar's aggregate classification.
ClinVar note: "not provided" was previously submitted as the classification for the variant. However, the classification appeared to be based only on an observation of functional data so it was converted to no classification on 2025-07-30.

Literature cited by the submitters: PubMed 30209399 (cited by Labcorp Genetics (formerly Invitae), Labcorp).

NM_007294.4(BRCA1):c.5039T>G (p.Ile1680Ser)

Gene: BRCA1 (BRCA1 DNA repair associated; minus strand). Cytogenetic location: 17q21.31.
Variant type: single nucleotide variant.
Coding change: c.5039T>G on transcript NM_007294.4 (MANE Select); coding-DNA position 5039, T replaced by G.
Protein change: p.Ile1680Ser; replaces isoleucine 1680 with serine.
Molecular consequence: missense variant. On other transcripts: non-coding transcript variant (1).
Genome position (GRCh38, 1-based): chr17:43,067,643, A>C on the plus strand (T>G on the coding strand, the complement: BRCA1 is on the minus strand). VCF-style: chr17-43067643-A-C. GRCh37 (hg19) VCF-style: chr17-41219660-A-C.
Other names: c.4826T>G, p.Ile1609Ser (NM_001407571.1, NM_001407895.1, NM_001407896.1 and 12 more transcripts); c.5105T>G, p.Ile1702Ser (NM_001407581.1, NM_001407582.1); c.5102T>G, p.Ile1701Ser (NM_001407583.1, NM_001407585.1, NM_001407587.1 and 1 more transcripts); c.5099T>G, p.Ile1700Ser (NM_001407590.1, NM_001407591.1); c.5039T>G, p.Ile1680Ser (NM_001407593.1, NM_001407594.1, NM_001407596.1 and 8 more transcripts); c.5036T>G, p.Ile1679Ser (NM_001407610.1, NM_001407611.1, NM_001407612.1 and 17 more transcripts); c.5033T>G, p.Ile1678Ser (NM_001407627.1, NM_001407628.1, NM_001407629.1 and 14 more transcripts); c.5030T>G, p.Ile1677Ser (NM_001407644.1, NM_001407645.1); and 70 more; short protein forms I1633S, I1680S, I1701S, I576S, I1383S, I1551S, I1552S, I1553S.
Identifiers: ClinVar variation 868952 (VCV000868952.12), dbSNP rs1489545368, ClinGen allele CA10591437.